The following is an entry in ClinVar:

ClinVar aggregate classification (germline): Uncertain significance (1 of 4 stars; one submission).

Conditions:
Long QT syndrome (LQTS). Identifiers: MedGen C0023976, MeSH D008133, MONDO:0002442. Disease mechanism: loss of function. Inheritance: Various modes of inheritance.

gnomAD v4.1: 3 of 1,613,128 alleles (0.00019%); highest among the groups gnomAD compares: Non-Finnish European, 0.00025%; no homozygotes.

Submission:

Labcorp Genetics (formerly Invitae), Labcorp
Classification: Uncertain significance for Long QT syndrome. Last evaluated: 2024-09-02. Review status: criteria provided, single submitter. Criteria: Invitae Variant Classification Sherloc (09022015). Collection method: clinical testing. Allele origin: germline.
Comment: This sequence change replaces serine, which is neutral and polar, with cysteine, which is neutral and slightly polar, at codon 1860 of the CACNA1C protein (p.Ser1860Cys). This variant is not present in population databases (gnomAD no frequency). This variant has not been reported in the literature in individuals affected with CACNA1C-related conditions. Invitae Evidence Modeling of protein sequence and biophysical properties (such as structural, functional, and spatial information, amino acid conservation, physicochemical variation, residue mobility, and thermodynamic stability) indicates that this missense variant is not expected to disrupt CACNA1C protein function with a negative predictive value of 95%. In summary, the available evidence is currently insufficient to determine the role of this variant in disease. Therefore, it has been classified as a Variant of Uncertain Significance.

NM_000719.7(CACNA1C):c.5579C>G (p.Ser1860Cys)

Genes: CACNA1C (calcium voltage-gated channel subunit alpha1 C; plus strand), CACNA1C-AS1 (CACNA1C antisense RNA 1; minus strand). Cytogenetic location: 12p13.33.
Variant type: single nucleotide variant.
Coding change: c.5579C>G on transcript NM_000719.7 (MANE Select); coding-DNA position 5579, C replaced by G.
Protein change: p.Ser1860Cys; replaces serine 1860 with cysteine.
Molecular consequence: missense variant.
Genome position (GRCh38, 1-based): chr12:2,685,741, C>G. VCF-style: chr12-2685741-C-G. GRCh37 (hg19) VCF-style: chr12-2794907-C-G.
Other names: c.5723C>G, p.Ser1908Cys (NM_001129827.2); c.5702C>G, p.Ser1901Cys (NM_001129829.2); c.5684C>G, p.Ser1895Cys (NM_001129830.3, NM_001167624.3); c.5663C>G, p.Ser1888Cys (NM_001129831.2); c.5639C>G, p.Ser1880Cys (NM_001129832.2); c.5636C>G, p.Ser1879Cys (NM_001129833.2, NM_001129834.2, NM_001129835.2); c.5630C>G, p.Ser1877Cys (NM_001129836.2); c.5603C>G, p.Ser1868Cys (NM_001129837.2, NM_001129838.2); and 6 more; short protein forms S1849C, S1857C, S1860C, S1866C, S1868C, S1877C, S1879C, S1880C.
Identifiers: ClinVar variation 3626811 (VCV003626811.2).
Genomic context (GRCh38, chr12:2,685,741, plus strand): 5'-GTGGGTGGCCACTTCTCAGCCTCCAGGAACAAGCCCCATGAGCTCTCTGTTCCAGGCTCT[C>G]CTACCAGGATGACGAAAATCGGCAACTGACGCTCCCAGAGGAGGACAAGAGGGACATCCG-3'
Protein context (NP_000710.5, residues 1850-1870): EPSLLSTEML[Ser1860Cys]YQDDENRQLT